The following is an entry in ClinVar:

ClinVar aggregate classification (germline): Uncertain significance (1 of 4 stars; one submission).

Allele frequency attached by ClinVar (database versions not stated): gnomAD exomes 0.00001.
gnomAD v4.1: 9 of 1,507,814 alleles (0.0006%); highest among the groups gnomAD compares: Non-Finnish European, 0.00072%; no homozygotes.

Submission:

Labcorp Genetics (formerly Invitae), Labcorp
Classification: Uncertain significance. Last evaluated: 2022-04-23. Review status: criteria provided, single submitter. Criteria: Invitae Variant Classification Sherloc (09022015). Collection method: clinical testing. Allele origin: germline.
Comment: In summary, the available evidence is currently insufficient to determine the role of this variant in disease. Therefore, it has been classified as a Variant of Uncertain Significance. Algorithms developed to predict the effect of missense changes on protein structure and function (SIFT, PolyPhen-2, Align-GVGD) all suggest that this variant is likely to be disruptive. This variant has not been reported in the literature in individuals affected with ADAMTS10-related conditions. This variant is present in population databases (no rsID available, gnomAD 0.002%). This sequence change replaces glutamic acid, which is acidic and polar, with lysine, which is basic and polar, at codon 676 of the ADAMTS10 protein (p.Glu676Lys).

NM_030957.4(ADAMTS10):c.2026G>A (p.Glu676Lys)

Gene: ADAMTS10 (ADAM metallopeptidase with thrombospondin type 1 motif 10; minus strand). Cytogenetic location: 19p13.2.
Variant type: single nucleotide variant.
Coding change: c.2026G>A on transcript NM_030957.4 (MANE Select); coding-DNA position 2026, G replaced by A.
Protein change: p.Glu676Lys; replaces glutamic acid 676 with lysine.
Molecular consequence: missense variant.
Genome position (GRCh38, 1-based): chr19:8,589,460, C>T on the plus strand (G>A on the coding strand, the complement: ADAMTS10 is on the minus strand). VCF-style: chr19-8589460-C-T. GRCh37 (hg19) VCF-style: chr19-8654344-C-T.
Other names: c.487G>A, p.Glu163Lys (NM_001282352.2); short protein forms E676K, E163K.
Identifiers: ClinVar variation 1491012 (VCV001491012.4), dbSNP rs1555738275, ClinGen allele CA403750713.
Genomic context (GRCh38, chr19:8,589,460, plus strand): 5'-AACCCACCCCCGCTCCCCATCCCCTCTCCACCTCCCTGGGAGTCCCCTCCACCTTGCATT[C>T]GCCACTGACGCAAATGTCCACCGTGTCTGGACGGCAGGGTGTCCCGTCCACCACGGCTGC-3'
Protein context (NP_112219.3, residues 666-686): PDTVDICVSG[Glu676Lys]CKHVGCDRVL